The following is an entry in ClinVar:

ClinVar aggregate classification (germline): Uncertain significance. Review status: criteria provided, multiple submitters, no conflicts (2 of 4 stars). 2 submissions from 2 submitters: Uncertain significance (2). Last evaluated 2024-01-03.

Conditions:
Inborn genetic diseases. Identifiers: MedGen C0950123, MeSH D030342.

Allele frequency attached by ClinVar (database versions not stated): gnomAD 0.00001; gnomAD exomes 0.00001; ExAC 0.00002; TOPMed 0.00002.
gnomAD v4.1: 22 of 1,613,062 alleles (0.0014%); highest among the groups gnomAD compares: Non-Finnish European, 0.0018%; no homozygotes.

Submissions (2):

Ambry Genetics
Classification: Uncertain significance for Inborn genetic diseases. Last evaluated: 2024-01-03. Review status: criteria provided, single submitter. Criteria: Ambry Variant Classification Scheme 2023. Collection method: clinical testing. Allele origin: germline.

Labcorp Genetics (formerly Invitae), Labcorp
Classification: Uncertain significance. Last evaluated: 2022-02-13. Review status: criteria provided, single submitter. Criteria: Invitae Variant Classification Sherloc (09022015). Collection method: clinical testing. Allele origin: germline.
Comment: This sequence change replaces aspartic acid, which is acidic and polar, with glutamic acid, which is acidic and polar, at codon 1879 of the LRP2 protein (p.Asp1879Glu). This variant is present in population databases (rs765716072, gnomAD 0.003%). This variant has not been reported in the literature in individuals affected with LRP2-related conditions. Advanced modeling of protein sequence and biophysical properties (such as structural, functional, and spatial information, amino acid conservation, physicochemical variation, residue mobility, and thermodynamic stability) performed at Invitae indicates that this missense variant is expected to disrupt LRP2 protein function. In summary, the available evidence is currently insufficient to determine the role of this variant in disease. Therefore, it has been classified as a Variant of Uncertain Significance.

NM_004525.3(LRP2):c.5637T>A (p.Asp1879Glu)

Gene: LRP2 (LDL receptor related protein 2; minus strand). Cytogenetic location: 2q31.1.
Variant type: single nucleotide variant.
Coding change: c.5637T>A on transcript NM_004525.3 (MANE Select); coding-DNA position 5637, T replaced by A.
Protein change: p.Asp1879Glu; replaces aspartic acid 1879 with glutamic acid.
Molecular consequence: missense variant.
Genome position (GRCh38, 1-based): chr2:169,220,465, A>T on the plus strand (T>A on the coding strand, the complement: LRP2 is on the minus strand). VCF-style: chr2-169220465-A-T. GRCh37 (hg19) VCF-style: chr2-170076975-A-T.
Other names: c.5637T>A (NM_004525.2); short protein forms D1879E.
Identifiers: ClinVar variation 1909335 (VCV001909335.3), dbSNP rs765716072, ClinGen allele CA1954485.